The following is an entry in ClinVar:

ClinVar aggregate classification (germline): Uncertain significance (1 of 4 stars; one submission).

Allele frequency attached by ClinVar (database versions not stated): gnomAD exomes 0.00001.

Submission:

Greenwood Genetic Center Diagnostic Laboratories, Greenwood Genetic Center
Classification: Uncertain significance. Last evaluated: 2023-07-28. Review status: criteria provided, single submitter. Criteria: ACMG Guidelines, 2015. Collection method: clinical testing. Allele origin: germline. Affected: yes.
Comment: PM2

NM_017635.5(KMT5B):c.1208A>G (p.Lys403Arg)

Gene: KMT5B (lysine methyltransferase 5B; minus strand). Cytogenetic location: 11q13.2.
Variant type: single nucleotide variant.
Coding change: c.1208A>G on transcript NM_017635.5 (MANE Select); coding-DNA position 1208, A replaced by G.
Protein change: p.Lys403Arg; replaces lysine 403 with arginine.
Molecular consequence: missense variant.
Genome position (GRCh38, 1-based): chr11:68,159,138, T>C on the plus strand (A>G on the coding strand, the complement: KMT5B is on the minus strand). VCF-style: chr11-68159138-T-C. GRCh37 (hg19) VCF-style: chr11-67926605-T-C.
Other names: c.692A>G, p.Lys231Arg (NM_001300907.1, NM_001369428.1, NM_001369429.1 and 4 more transcripts); c.488A>G, p.Lys163Arg (NM_001300908.2); c.1208A>G, p.Lys403Arg (NM_001369426.1); short protein forms K163R, K231R, K403R.
Identifiers: ClinVar variation 2627006 (VCV002627006.1), dbSNP rs1854641687, ClinGen allele CA381595461.